The following is an entry in ClinVar:

NM_006059.4(LAMC3):c.849C>A (p.Asp283Glu)

Gene: LAMC3 (laminin subunit gamma 3; plus strand). Cytogenetic location: 9q34.12.
Variant type: single nucleotide variant.
Coding change: c.849C>A on transcript NM_006059.4 (MANE Select); coding-DNA position 849, C replaced by A.
Protein change: p.Asp283Glu; replaces aspartic acid 283 with glutamic acid.
Molecular consequence: missense variant.
Genome position (GRCh38, 1-based): chr9:131,036,205, C>A. VCF-style: chr9-131036205-C-A. GRCh37 (hg19) VCF-style: chr9-133911592-C-A.
Other names: short protein forms D283E.
Identifiers: ClinVar variation 1961476 (VCV001961476.4), dbSNP rs751593107, ClinGen allele CA375256452.

ClinVar aggregate classification (germline): Uncertain significance (1 of 4 stars; one submission).

gnomAD v4.1: 2 of 1,612,892 alleles (0.00012%); highest among the groups gnomAD compares: Admixed American, 0.0017%; no homozygotes.

Submission:

Labcorp Genetics (formerly Invitae), Labcorp
Classification: Uncertain significance. Last evaluated: 2022-01-18. Review status: criteria provided, single submitter. Criteria: Invitae Variant Classification Sherloc (09022015). Collection method: clinical testing. Allele origin: germline.
Comment: In summary, the available evidence is currently insufficient to determine the role of this variant in disease. Therefore, it has been classified as a Variant of Uncertain Significance. Algorithms developed to predict the effect of missense changes on protein structure and function (SIFT, PolyPhen-2, Align-GVGD) all suggest that this variant is likely to be tolerated. This variant has not been reported in the literature in individuals affected with LAMC3-related conditions. This variant is not present in population databases (gnomAD no frequency). This sequence change replaces aspartic acid, which is acidic and polar, with glutamic acid, which is acidic and polar, at codon 283 of the LAMC3 protein (p.Asp283Glu).